The following is an entry in ClinVar:

NM_000525.4(KCNJ11):c.67_68delinsGC (p.Lys23Ala)

Gene: KCNJ11 (potassium inwardly rectifying channel subfamily J member 11; minus strand). Cytogenetic location: 11p15.1.
Variant type: Indel.
Coding change: c.67_68delinsGC on transcript NM_000525.4 (MANE Select); coding-DNA positions 67 to 68, AA replaced by GC.
Protein change: p.Lys23Ala; replaces lysine 23 with alanine.
Molecular consequence: missense variant. On other transcripts: 5 prime UTR variant (1), intron variant (2).
Genome position (GRCh38, 1-based): chr11:17,388,024-17,388,025, TT replaced by GC on the plus strand (AA replaced by GC on the coding strand, the reverse complement: KCNJ11 is on the minus strand). VCF-style: chr11-17388024-TT-GC. GRCh37 (hg19) VCF-style: chr11-17409571-TT-GC.
Other names: c.-24_-23delinsGC (NM_001377296.1); c.-16-179_-16-178delinsGC (NM_001166290.2, NM_001377297.1); short protein forms K23A.
Identifiers: ClinVar variation 4995546 (VCV004995546.1).

ClinVar aggregate classification (germline): Uncertain significance (1 of 4 stars; one submission).

Conditions:
KCNJ11-related disorder. Also called: KCNJ11-related condition; KCNJ11-related disorders.

Submission:

PreventionGenetics, part of Exact Sciences
Classification: Uncertain significance for KCNJ11-related condition. Last evaluated: 2025-11-20. Review status: criteria provided, single submitter. Criteria: ACMG Guidelines, 2015. Collection method: clinical testing. Allele origin: germline.
Comment: The KCNJ11 c.67_68delinsGC variant is predicted to result in an in-frame deletion and insertion. To our knowledge, this variant has not been reported in the literature or in a large population database (gnomAD), indicating this variant is rare. At this time, the clinical significance of this variant is uncertain due to the absence of conclusive functional and genetic evidence.